The following is an entry in ClinVar:

NM_003000.3(SDHB):c.729C>G (p.Cys243Trp)

Gene: SDHB (succinate dehydrogenase complex iron sulfur subunit B; minus strand). Cytogenetic location: 1p36.13.
Variant type: single nucleotide variant.
Coding change: c.729C>G on transcript NM_003000.3 (MANE Select); coding-DNA position 729, C replaced by G.
Protein change: p.Cys243Trp; replaces cysteine 243 with tryptophan.
Molecular consequence: missense variant.
Genome position (GRCh38, 1-based): chr1:17,022,644, G>C on the plus strand (C>G on the coding strand, the complement: SDHB is on the minus strand). VCF-style: chr1-17022644-G-C. GRCh37 (hg19) VCF-style: chr1-17349139-G-C.
Other names: c.729C>G (NM_003000.2); short protein forms C243W.
Identifiers: ClinVar variation 1347453 (VCV001347453.7), dbSNP rs2101513669, ClinGen allele CA338270173.

ClinVar aggregate classification (germline): Likely pathogenic. Review status: criteria provided, multiple submitters, no conflicts (2 of 4 stars). 2 submissions from 2 submitters: Likely pathogenic (2). Last evaluated 2025-08-14.

Conditions:
Gastrointestinal stromal tumor. Also called: Gastrointestinal stroma tumor; Gastrointestinal stromal tumor, somatic. Identifiers: Orphanet 44890, MedGen C0238198, MeSH D046152, MONDO:0011719, OMIM 606764, HP:0100723.
Pheochromocytoma/paraganglioma syndrome 4. Also called: SDHB-Related Hereditary Paraganglioma-Pheochromocytoma Syndrome (Paragangliomas 4); Paragangliomas 4; SDHB-Related Hereditary Paraganglioma-Pheochromocytoma Syndrome; CAROTID BODY TUMORS AND MULTIPLE EXTRAADRENAL PHEOCHROMOCYTOMAS; PARAGANGLIOMA, FAMILIAL MALIGNANT; PARAGANGLIOMAS, HEREDITARY EXTRAADRENAL. Identifiers: Orphanet 29072, MedGen C1861848, MONDO:0007273, OMIM 115310.
Pheochromocytoma. Also called: MAX-Related Hereditary Paraganglioma-Pheochromocytoma Syndrome. Identifiers: Orphanet 29072, MedGen C0031511, MONDO:0008233, OMIM 171300, HP:0002666.
Hereditary cancer-predisposing syndrome. Also called: Tumor predisposition; Hereditary Cancer Syndrome; Neoplastic Syndromes, Hereditary; Hereditary neoplastic syndrome. Identifiers: Orphanet 140162, MedGen C0027672, MeSH D009386, MONDO:0015356.

Submissions (2):

Ambry Genetics
Classification: Likely pathogenic for Hereditary cancer-predisposing syndrome. Last evaluated: 2025-08-14. Review status: criteria provided, single submitter. Criteria: Ambry Variant Classification Scheme 2023. Collection method: clinical testing. Allele origin: germline.
Comment: The p.C243W variant (also known as c.729C>G), located in coding exon 7 of the SDHB gene, results from a C to G substitution at nucleotide position 729. The cysteine at codon 243 is replaced by tryptophan, an amino acid with highly dissimilar properties. This variant was reported in individual(s) with features consistent with SDHB-related hereditary pheochromocytoma-paraganglioma (Ambry internal data). Other variant(s) at the same codon, p.C243R (c.727T>C), have been identified in individual(s) with features consistent with hereditary pheochromocytoma-paraganglioma syndrome (Ambry internal data; Stenson et al. The Human Gene Mutation Database (HGMD&reg;): 2003 Update. Hum Mutat. 2003;21:577-581). This variant is considered to be rare based on population cohorts in the Genome Aggregation Database (gnomAD). This amino acid position is highly conserved in available vertebrate species. In addition, this alteration is predicted to be deleterious by in silico analysis. Based on the majority of available evidence to date, this variant is likely to be pathogenic.

Labcorp Genetics (formerly Invitae), Labcorp
Classification: Likely pathogenic for Gastrointestinal stromal tumor; Pheochromocytoma/paraganglioma syndrome 4; Pheochromocytoma. Last evaluated: 2021-07-28. Review status: criteria provided, single submitter. Criteria: Invitae Variant Classification Sherloc (09022015). Collection method: clinical testing. Allele origin: germline.
Comment: This missense change has been observed in individual(s) with paraganglioma (Invitae). This variant is not present in population databases (ExAC no frequency). This sequence change replaces cysteine with tryptophan at codon 243 of the SDHB protein (p.Cys243Trp). The cysteine residue is highly conserved and there is a large physicochemical difference between cysteine and tryptophan. In summary, the currently available evidence indicates that the variant is pathogenic, but additional data are needed to prove that conclusively. Therefore, this variant has been classified as Likely Pathogenic. This variant disrupts the Cys243 amino acid residue in SDHB. Other variant(s) that disrupt this residue have been observed in individuals with SDHB-related conditions (PMID: 26960314, 28490599), which suggests that this may be a clinically significant amino acid residue. Advanced modeling of protein sequence and biophysical properties (such as structural, functional, and spatial information, amino acid conservation, physicochemical variation, residue mobility, and thermodynamic stability) performed at Invitae indicates that this missense variant is expected to disrupt SDHB protein function.

Literature cited by the submitters: PubMed 26960314 (cited by Labcorp Genetics (formerly Invitae), Labcorp); PubMed 28490599 (cited by Labcorp Genetics (formerly Invitae), Labcorp).